The following is an entry in ClinVar:

NM_015340.4(LARS2):c.829G>A (p.Val277Met)

Gene: LARS2 (leucyl-tRNA synthetase 2, mitochondrial; plus strand). Cytogenetic location: 3p21.31.
Variant type: single nucleotide variant.
Coding change: c.829G>A on transcript NM_015340.4 (MANE Select); coding-DNA position 829, G replaced by A.
Protein change: p.Val277Met; replaces valine 277 with methionine.
Molecular consequence: missense variant.
Genome position (GRCh38, 1-based): chr3:45,474,321, G>A. VCF-style: chr3-45474321-G-A. GRCh37 (hg19) VCF-style: chr3-45515813-G-A.
Other names: c.829G>A, p.Val277Met (NM_001368263.1); short protein forms V277M.
Identifiers: ClinVar variation 3770894 (VCV003770894.13).
Genomic context (GRCh38, chr3:45,474,321, plus strand): 5'-GCAGACCTTCCAGAATGGTATGGAATAAAAGGCATGCAAGCCCACTGGATTGGGGACTGT[G>A]TGGGCTGCCACCTGGACTTCACATTAAAGGTGATTAAGTAATAGCAGCTCCAGCAATTCA-3'
Protein context (NP_056155.1, residues 267-287): GMQAHWIGDC[Val277Met]GCHLDFTLKV

ClinVar aggregate classification (germline): Uncertain significance (1 of 4 stars; one submission).

gnomAD v4.1: 9 of 1,610,342 alleles (0.00056%); highest among the groups gnomAD compares: Middle Eastern, 0.033%; no homozygotes.

Submission:

CeGaT Center for Human Genetics Tuebingen
Classification: Uncertain significance. Last evaluated: 2025-01-01. Review status: criteria provided, single submitter. Criteria: CeGaT Center For Human Genetics Tuebingen Variant Classification Criteria Version 2. Collection method: clinical testing. Allele origin: germline. Affected: yes. Observed: 1 variant allele.
Comment: LARS2: PM2, BP4